The following is an entry in ClinVar:

ClinVar aggregate classification (germline): Uncertain significance (1 of 4 stars; one submission).

Conditions:
CD164-related disorder. Also called: CD164-related condition.

gnomAD v4.1: 26 of 1,612,590 alleles (0.0016%); highest among the groups gnomAD compares: Non-Finnish European, 0.002%; no homozygotes.

Submission:

PreventionGenetics, part of Exact Sciences
Classification: Uncertain significance for CD164-related condition. Last evaluated: 2025-11-14. Review status: criteria provided, single submitter. Criteria: ACMG Guidelines, 2015. Collection method: clinical testing. Allele origin: germline.
Comment: The CD164 c.382G>C variant is predicted to result in the amino acid substitution p.Val128Leu. To our knowledge, this variant has not been reported in the literature. This variant is reported in 0.00088% of alleles in individuals of European (Non-Finnish) descent in gnomAD. At this time, the clinical significance of this variant is uncertain due to the absence of conclusive functional and genetic evidence.

NM_006016.6(CD164):c.382G>C (p.Val128Leu)

Gene: CD164 (CD164 molecule; minus strand). Cytogenetic location: 6q21.
Variant type: single nucleotide variant.
Coding change: c.382G>C on transcript NM_006016.6 (MANE Select); coding-DNA position 382, G replaced by C.
Protein change: p.Val128Leu; replaces valine 128 with leucine.
Molecular consequence: missense variant. On other transcripts: intron variant (1).
Genome position (GRCh38, 1-based): chr6:109,370,456, C>G on the plus strand (G>C on the coding strand, the complement: CD164 is on the minus strand). VCF-style: chr6-109370456-C-G. GRCh37 (hg19) VCF-style: chr6-109691659-C-G.
Other names: c.343G>C, p.Val115Leu (NM_001142401.3); c.382G>C, p.Val128Leu (NM_001142403.3, NM_001142404.3); c.280G>C, p.Val94Leu (NM_001346500.2); c.371-1439G>C (NM_001142402.3); short protein forms V94L, V115L, V128L.
Identifiers: ClinVar variation 4988790 (VCV004988790.1).
Genomic context (GRCh38, chr6:109,370,456, plus strand): 5'-AAAAGCCTCAATTACCTGATGTAGTAACTGTCTTGGAAGTTGTAGAAGGGGAGGGCTGAA[C>G]TGTGGGTTTAGCTGGAATGAAAACAAAATGTCTTTTTAAAAAACCTTAAATTTCTAGCTT-3'
Protein context (NP_006007.2, residues 118-138): PTANSTAKPT[Val128Leu]QPSPSTTSKT